The following is an entry in ClinVar:

ClinVar aggregate classification (germline): Likely benign. Review status: criteria provided, multiple submitters, no conflicts (2 of 4 stars). 2 submissions from 2 submitters: Likely benign (2). Last evaluated 2026-06-01.

gnomAD v4.1: 1 of 1,613,950 alleles (0.000062%); highest among the groups gnomAD compares: Admixed American, 0.0017%; no homozygotes.

Submissions (2):

CeGaT Center for Human Genetics Tuebingen
Classification: Likely benign. Last evaluated: 2026-06-01. Review status: criteria provided, single submitter. Criteria: CeGaT Center For Human Genetics Tuebingen Variant Classification Criteria Version 2. Collection method: clinical testing. Allele origin: germline. Affected: yes. Observed: 1 variant allele.
Comment: CACNA1B: BP4, BP7

Labcorp Genetics (formerly Invitae), Labcorp
Classification: Likely benign. Last evaluated: 2023-09-27. Review status: criteria provided, single submitter. Criteria: Invitae Variant Classification Sherloc (09022015). Collection method: clinical testing. Allele origin: germline.

NM_000718.4(CACNA1B):c.4977G>A (p.Glu1659=)

Gene: CACNA1B (calcium voltage-gated channel subunit alpha1 B; plus strand). Cytogenetic location: 9q34.3.
Variant type: single nucleotide variant.
Coding change: c.4977G>A on transcript NM_000718.4 (MANE Select); coding-DNA position 4977, G replaced by A.
Protein change: p.Glu1659=; no amino-acid change (glutamic acid 1659 retained).
Molecular consequence: synonymous variant.
Genome position (GRCh38, 1-based): chr9:138,078,141, G>A. VCF-style: chr9-138078141-G-A. GRCh37 (hg19) VCF-style: chr9-140972593-G-A.
Other names: c.4977G>A, p.Glu1659= (NM_001243812.2).
Identifiers: ClinVar variation 2890197 (VCV002890197.5), dbSNP rs942631104, ClinGen allele CA467899236.
Genomic context (GRCh38, chr9:138,078,141, plus strand): 5'-CTGTGGGCCTCACAACTCTGCCCTTCTTCTCAGGAGCGCCACGGGGGAGGCCTGGCACGA[G>A]ATCATGCTGTCCTGCCTGAGCAACCAGGCCTGTGATGAGCAGGCCAATGCCACCGAGTGT-3'
Protein context (NP_000709.1, residues 1649-1669): FRSATGEAWH[Glu1659=]IMLSCLSNQA